The following is an entry in ClinVar:

NM_000152.5(GAA):c.1636+284G>C

Gene: GAA (alpha glucosidase; plus strand). Cytogenetic location: 17q25.3.
Variant type: single nucleotide variant.
Coding change: c.1636+284G>C on transcript NM_000152.5 (MANE Select); 284 bases into the intron after coding-DNA position 1636, G replaced by C.
Molecular consequence: intron variant.
Genome position (GRCh38, 1-based): chr17:80,111,309, G>C. VCF-style: chr17-80111309-G-C. GRCh37 (hg19) VCF-style: chr17-78085108-G-C.
Other names: c.1636+284G>C (NM_001079803.3, NM_001079804.3).
Identifiers: ClinVar variation 1240907 (VCV001240907.3), dbSNP rs111551014, ClinGen allele CA294895384.

ClinVar aggregate classification (germline): Benign. Review status: criteria provided, multiple submitters, no conflicts (2 of 4 stars). 2 submissions from 2 submitters: Benign (2). Last evaluated 2026-07-01.

Conditions:
Glycogen storage disease, type II (IOPD). Also called: CARDIOMEGALIA GLYCOGENICA DIFFUSA; GLYCOGENOSIS, GENERALIZED, CARDIAC FORM; GSD II; Glycogen storage disease type 2; Acid maltase deficiency disease; Aglucosidase alfa. Identifiers: Orphanet 365, MedGen C0017921, MONDO:0009290, OMIM 232300.

Allele frequency attached by ClinVar (database versions not stated): gnomAD 0.01625 and 0.01737; 1000 Genomes Project 0.01717; 1000 Genomes Project 30x 0.01827; TOPMed 0.01858.
gnomAD v4.1: 2,448 of 152,334 alleles (1.6%); highest among the groups gnomAD compares: African/African-American, 5.7%; 85 homozygotes.

Submissions (2):

Genomenon, Inc
Classification: Benign for Glycogen storage disease, type II. Last evaluated: 2026-07-01. Review status: criteria provided, single submitter. Criteria: Genomenon Sequence Variant Interpretation Standards - Updated. Collection method: curation. Allele origin: germline. Affected: no.
Comment: GAA c.1636+284G>C is an intronic variant located in intron 11. This variant is present at high allele frequency in population databases. We classify GAA c.1636+284G>C as a benign variant.

GeneDx
Classification: Benign. Last evaluated: 2018-07-10. Review status: criteria provided, single submitter. Criteria: GeneDx Variant Classification Process June 2021. Collection method: clinical testing. Allele origin: germline. Affected: yes.